The following is an entry in ClinVar:

NM_000268.4(NF2):c.517-92_568del

Gene: NF2 (NF2, moesin-ezrin-radixin like (MERLIN) tumor suppressor; plus strand). Cytogenetic location: 22q12.2.
Variant type: Deletion.
Coding change: c.517-92_568del on transcript NM_000268.4 (MANE Select); 92 bases into the intron before coding-DNA position 517 through coding-DNA position 568, 144 bases deleted.
Molecular consequence: splice acceptor variant. On other transcripts: intron variant (1).
Genome position (GRCh38, 1-based): chr22:29,655,502-29,655,645, 144 bases deleted. GRCh37 (hg19): chr22:30,051,491-30,051,634.
Other names: c.517-92_568del (NM_016418.5, NM_181832.3, NM_181825.3); c.447+13217_447+13360del (NM_181833.3); c.394-92_445del (NM_181829.3); c.391-92_442del (NM_181828.3); c.268-92_319del (NM_181830.3, NM_181831.3).
Identifiers: ClinVar variation 654267 (VCV000654267.1), dbSNP rs1601613230, ClinGen allele CA915951371.

ClinVar aggregate classification (germline): Pathogenic (1 of 4 stars; one submission).

Conditions:
Neurofibromatosis, type 2 (SWNV). Also called: BILATERAL ACOUSTIC NEUROFIBROMATOSIS; SCHWANNOMATOSIS, VESTIBULAR; NF2-Related Schwannomatosis. Identifiers: Orphanet 637, MedGen C0027832, MONDO:0007039, OMIM 101000. Disease mechanism: loss of function.

Submission:

Labcorp Genetics (formerly Invitae), Labcorp
Classification: Pathogenic for Neurofibromatosis, type 2. Last evaluated: 2018-11-08. Review status: criteria provided, single submitter. Criteria: Invitae Variant Classification Sherloc (09022015). Collection method: clinical testing. Allele origin: germline.
Comment: This variant is a gross deletion of the genomic region encompassing part of exon 6 (c.517-92_568del) of the NF2 gene. It is expected to disrupt RNA splicing and likely results in an absent or disrupted protein product. Loss-of-function variants in NF2 are known to be pathogenic (PMID: 9643284, 16983642). For these reasons, this variant has been classified as Pathogenic.